The following is an entry in ClinVar:

ClinVar aggregate classification (germline): Benign/Likely benign. Review status: criteria provided, multiple submitters, no conflicts (2 of 4 stars). 9 submissions from 9 submitters: Benign (3); Likely benign (4). 2 of the submissions do not count toward it. Last evaluated 2026-04-16.

Conditions:
TSC2-related disorder. Also called: TSC2-Related Disorders; TSC2-related condition.
Hereditary cancer-predisposing syndrome. Also called: Tumor predisposition; Neoplastic Syndromes, Hereditary; Hereditary neoplastic syndrome; Hereditary Cancer Syndrome. Identifiers: Orphanet 140162, MedGen C0027672, MeSH D009386, MONDO:0015356.
Tuberous sclerosis syndrome (TSC). Also called: Tuberous Sclerosis Complex; Tuberous sclerosis. Identifiers: Orphanet 805, MedGen C0041341, MONDO:0001734.
Tuberous sclerosis 2 (TSC2). Identifiers: Orphanet 805, MedGen C1860707, MONDO:0013199, OMIM 613254.

Allele frequency attached by ClinVar (database versions not stated): ExAC 0.00003; gnomAD exomes 0.00005 and 0.00013; TOPMed 0.00009; gnomAD 0.00014 and 0.00015.
gnomAD v4.1: 210 of 1,613,846 alleles (0.013%); highest among the groups gnomAD compares: Non-Finnish European, 0.017%; no homozygotes.

Submissions (9):

Myriad Genetics, Inc.
Classification: Benign for Tuberous sclerosis 2. Last evaluated: 2026-04-16. Review status: criteria provided, single submitter. Criteria: Myriad Autosomal Dominant, Autosomal Recessive and X-Linked Classification Criteria (2023). Collection method: clinical testing. Allele origin: unknown.
Comment: This variant is considered benign. This variant has been observed at a population frequency that is significantly greater than expected given the associated disease prevalence and penetrance. Homozygosity has been confirmed in one or more individuals. As homozygosity for pathogenic variants in this gene is generally assumed to result in embryonic lethality, this variant is unlikely to be pathogenic.

Labcorp Genetics (formerly Invitae), Labcorp
Classification: Benign for Tuberous sclerosis 2. Last evaluated: 2026-02-03. Review status: criteria provided, single submitter. Criteria: Invitae Variant Classification Sherloc (09022015). Collection method: clinical testing. Allele origin: germline.

GeneDx
Classification: Likely benign. Last evaluated: 2023-08-14. Review status: criteria provided, single submitter. Criteria: GeneDx Variant Classification Process June 2021. Collection method: clinical testing. Allele origin: germline. Affected: yes.
Comment: See Variant Classification Assertion Criteria.

Blueprint Genetics
Classification: Likely benign. Last evaluated: 2023-03-31. Review status: criteria provided, single submitter. Criteria: ACMG Guidelines, 2015. Collection method: clinical testing. Allele origin: germline.

Color Diagnostics, LLC DBA Color Health
Classification: Likely benign for Tuberous sclerosis syndrome. Last evaluated: 2022-08-16. Review status: criteria provided, single submitter. Criteria: ACMG Guidelines, 2015. Collection method: clinical testing. Allele origin: germline.

Genome-Nilou Lab
Classification: Benign for Tuberous sclerosis 2. Last evaluated: 2021-11-07. Review status: criteria provided, single submitter. Criteria: ACMG Guidelines, 2015. Collection method: clinical testing. Allele origin: germline. Affected: no.

Ambry Genetics
Classification: Likely benign for Hereditary cancer-predisposing syndrome. Last evaluated: 2021-08-06. Review status: criteria provided, single submitter. Criteria: Ambry Variant Classification Scheme 2023. Collection method: clinical testing. Allele origin: germline.

PreventionGenetics, part of Exact Sciences
Classification: Likely benign for TSC2-related condition. Last evaluated: 2023-12-13. Review status: no assertion criteria provided. Collection method: clinical testing. Allele origin: germline. Not counted in ClinVar's aggregate classification.
Comment: This variant is classified as likely benign based on ACMG/AMP sequence variant interpretation guidelines (Richards et al. 2015 PMID: 25741868, with internal and published modifications).

Tuberous sclerosis database (TSC2)
No classification provided. Condition: TSC. Review status: no classification provided. Criteria: Tuberous Sclerosis Database Assertion Criteria 2015. Collection method: curation. Allele origin: germline. Affected: yes. Not counted in ClinVar's aggregate classification.

NM_000548.5(TSC2):c.20A>G (p.Lys7Arg)

Gene: TSC2 (TSC complex subunit 2; plus strand). Cytogenetic location: 16p13.3.
Variant type: single nucleotide variant.
Coding change: c.20A>G on transcript NM_000548.5 (MANE Select); coding-DNA position 20, A replaced by G.
Protein change: p.Lys7Arg; replaces lysine 7 with arginine.
Molecular consequence: missense variant. On other transcripts: 5 prime UTR variant (1), intron variant (1).
Genome position (GRCh38, 1-based): chr16:2,048,635, A>G. VCF-style: chr16-2048635-A-G. GRCh37 (hg19) VCF-style: chr16-2098636-A-G.
Other names: p.K7R:AAA>AGA; c.20A>G, p.Lys7Arg (NM_001077183.3, NM_001114382.3, NM_001318827.2 and 4 more transcripts); c.-207A>G (NM_001318831.2); c.53A>G, p.Lys18Arg (NM_001318832.2); c.-10+570A>G (NM_001318829.2); c.20A>G (NM_000548.4); short protein forms K7R, K18R.
Identifiers: ClinVar variation 49194 (VCV000049194.30), dbSNP rs137854215, ClinGen allele CA016732.